The following is an entry in ClinVar:

NM_000426.4(LAMA2):c.8399G>T (p.Gly2800Val)

Gene: LAMA2 (laminin subunit alpha 2; plus strand). Cytogenetic location: 6q22.33.
Variant type: single nucleotide variant.
Coding change: c.8399G>T on transcript NM_000426.4 (MANE Select); coding-DNA position 8399, G replaced by T.
Protein change: p.Gly2800Val; replaces glycine 2800 with valine.
Molecular consequence: missense variant.
Genome position (GRCh38, 1-based): chr6:129,503,132, G>T. VCF-style: chr6-129503132-G-T. GRCh37 (hg19) VCF-style: chr6-129824277-G-T.
Other names: c.8387G>T, p.Gly2796Val (NM_001079823.2); short protein forms G2796V, G2800V.
Identifiers: ClinVar variation 970145 (VCV000970145.8), dbSNP rs749056462, ClinGen allele CA146923841.
Genomic context (GRCh38, chr6:129,503,132, plus strand): 5'-GCATGCTTTTGTTTCACAGTCTCACAATTGAGTTGGAAGTAAGAACCGAAGCTGAATCCG[G>T]CTTGCTTTTTTACATGGCTCGCATCAATCATGCTGATTTTGCAACAGTTCAGCTGAGAAA-3'
Protein context (NP_000417.3, residues 2790-2810): ELEVRTEAES[Gly2800Val]LLFYMARINH

ClinVar aggregate classification (germline): Uncertain significance. Review status: criteria provided, multiple submitters, no conflicts (2 of 4 stars). 2 submissions from 2 submitters: Uncertain significance (2). Last evaluated 2023-05-30.

Conditions:
Inborn genetic diseases. Identifiers: MedGen C0950123, MeSH D030342.
LAMA2-related muscular dystrophy (LAMA2-RD). Also called: Laminin alpha 2-related dystrophy. Identifiers: MedGen C5679788, MONDO:0100228.

Allele frequency attached by ClinVar (database versions not stated): gnomAD exomes below 0.00001 and 0.00002; TOPMed below 0.00001.
gnomAD v4.1: 23 of 1,614,144 alleles (0.0014%); highest among the groups gnomAD compares: Non-Finnish European, 0.0019%; no homozygotes.

Submissions (2):

Ambry Genetics
Classification: Uncertain significance for Inborn genetic diseases. Last evaluated: 2023-05-30. Review status: criteria provided, single submitter. Criteria: Ambry Variant Classification Scheme 2023. Collection method: clinical testing. Allele origin: germline.

Labcorp Genetics (formerly Invitae), Labcorp
Classification: Uncertain significance for LAMA2-related muscular dystrophy. Last evaluated: 2022-03-01. Review status: criteria provided, single submitter. Criteria: Invitae Variant Classification Sherloc (09022015). Collection method: clinical testing. Allele origin: germline.
Comment: This sequence change replaces glycine, which is neutral and non-polar, with valine, which is neutral and non-polar, at codon 2800 of the LAMA2 protein (p.Gly2800Val). This variant is present in population databases (rs749056462, gnomAD 0.0009%). This variant has not been reported in the literature in individuals affected with LAMA2-related conditions. ClinVar contains an entry for this variant (Variation ID: 970145). Advanced modeling of protein sequence and biophysical properties (such as structural, functional, and spatial information, amino acid conservation, physicochemical variation, residue mobility, and thermodynamic stability) performed at Invitae indicates that this missense variant is not expected to disrupt LAMA2 protein function. In summary, the available evidence is currently insufficient to determine the role of this variant in disease. Therefore, it has been classified as a Variant of Uncertain Significance.